The following is an entry in ClinVar:

ClinVar aggregate classification (germline): Uncertain significance (1 of 4 stars; one submission).

Conditions:
Glanzmann thrombasthenia. Also called: Glanzmann's thrombasthenia; BLEEDING DISORDER, PLATELET-TYPE, 2; THROMBASTHENIA OF GLANZMANN AND NAEGELI; Thrombasthenia; PLATELET GLYCOPROTEIN IIb-IIIa DEFICIENCY. Identifiers: Orphanet 849, MedGen C0040015, MONDO:0100326.

gnomAD v4.1: 1 of 1,614,030 alleles (0.000062%); highest among the groups gnomAD compares: Non-Finnish European, 0.000085%; no homozygotes.

Submission:

Labcorp Genetics (formerly Invitae), Labcorp
Classification: Uncertain significance for Glanzmann thrombasthenia. Last evaluated: 2024-06-12. Review status: criteria provided, single submitter. Criteria: Invitae Variant Classification Sherloc (09022015). Collection method: clinical testing. Allele origin: germline.
Comment: This sequence change replaces threonine, which is neutral and polar, with alanine, which is neutral and non-polar, at codon 509 of the ITGA2B protein (p.Thr509Ala). This variant is not present in population databases (gnomAD no frequency). This variant has not been reported in the literature in individuals affected with ITGA2B-related conditions. An algorithm developed to predict the effect of missense changes on protein structure and function (PolyPhen-2) suggests that this variant is likely to be tolerated. In summary, the available evidence is currently insufficient to determine the role of this variant in disease. Therefore, it has been classified as a Variant of Uncertain Significance.

NM_000419.5(ITGA2B):c.1525A>G (p.Thr509Ala)

Gene: ITGA2B (integrin subunit alpha 2b; minus strand). Cytogenetic location: 17q21.31.
Variant type: single nucleotide variant.
Coding change: c.1525A>G on transcript NM_000419.5 (MANE Select); coding-DNA position 1525, A replaced by G.
Protein change: p.Thr509Ala; replaces threonine 509 with alanine.
Molecular consequence: missense variant.
Genome position (GRCh38, 1-based): chr17:44,380,405, T>C on the plus strand (A>G on the coding strand, the complement: ITGA2B is on the minus strand). VCF-style: chr17-44380405-T-C. GRCh37 (hg19) VCF-style: chr17-42457773-T-C.
Other names: short protein forms T509A.
Identifiers: ClinVar variation 3705849 (VCV003705849.2).